The following is an entry in ClinVar:

ClinVar aggregate classification (germline): Pathogenic/Likely pathogenic. Review status: criteria provided, multiple submitters, no conflicts (2 of 4 stars). 2 submissions from 2 submitters: Pathogenic (1); Likely pathogenic (1). Last evaluated 2023-08-06.

Conditions:
Brittle cornea syndrome 1 (BCS1). Also called: FRAGILITAS OCULI WITH JOINT HYPEREXTENSIBILITY; DYSGENESIS MESODERMALIS CORNEAE ET SCLERAE; Corneal fragility keratoglobus, blue sclerae AND joint hypermobility; CORNEAL FRAGILITY, KERATOGLOBUS, BLUE SCLERAE, JOINT HYPEREXTENSIBILITY; EDS6B. Identifiers: Orphanet 90354, MedGen C0268344, MONDO:0024543, OMIM 229200.

Submissions (2):

Labcorp Genetics (formerly Invitae), Labcorp
Classification: Pathogenic. Last evaluated: 2023-08-06. Review status: criteria provided, single submitter. Criteria: Invitae Variant Classification Sherloc (09022015). Collection method: clinical testing. Allele origin: germline.
Comment: This sequence change creates a premature translational stop signal (p.Pro1345Alafs*10) in the ZNF469 gene. While this is not anticipated to result in nonsense mediated decay, it is expected to disrupt the last 2581 amino acid(s) of the ZNF469 protein. This variant is not present in population databases (gnomAD no frequency). This variant has not been reported in the literature in individuals affected with ZNF469-related conditions. ClinVar contains an entry for this variant (Variation ID: 2429181). This variant disrupts a region of the ZNF469 protein in which other variant(s) (p.Pro3556Glnfs*136) have been determined to be pathogenic (PMID: 32671420). This suggests that this is a clinically significant region of the protein, and that variants that disrupt it are likely to be disease-causing. For these reasons, this variant has been classified as Pathogenic.

Women's Health and Genetics/Laboratory Corporation of America, LabCorp
Classification: Likely pathogenic for Brittle cornea syndrome 1. Last evaluated: 2023-01-19. Review status: criteria provided, single submitter. Criteria: LabCorp Variant Classification Summary - May 2015. Collection method: clinical testing. Allele origin: germline.
Comment: Variant summary: ZNF469 c.4112dupA (p.Pro1373AlafsX10) located in the last exon (exon 3) results in a premature termination codon, predicted to cause a truncation of the encoded protein or absence of the protein due to nonsense mediated decay, which are commonly known mechanisms for disease. Truncations downstream of this position have been classified as pathogenic by our laboratory and in ClinVar, and is associated with Brittle cornea syndrome in HGMD. The variant was absent in 153746 control chromosomes (gnomAD). To our knowledge, no occurrence of c.4112dupA in individuals affected with Brittle Cornea Syndrome 1 and no experimental evidence demonstrating its impact on protein function have been reported. No clinical diagnostic laboratories have submitted clinical-significance assessments for this variant to ClinVar after 2014. Based on the evidence outlined above, the variant was classified as likely pathogenic.

Literature cited by the submitters: PubMed 32671420 (cited by Labcorp Genetics (formerly Invitae), Labcorp).

NM_001367624.2(ZNF469):c.4112dup (p.Pro1373fs)

Gene: ZNF469 (zinc finger protein 469; plus strand). Cytogenetic location: 16q24.2.
Variant type: Duplication.
Coding change: c.4112dup on transcript NM_001367624.2 (MANE Select); coding-DNA position 4112, one base duplicated (A; older notation c.4112dupA).
Protein change: p.Pro1373fs; shifts the reading frame from proline 1373.
Molecular consequence: frameshift variant.
Genome position (GRCh38, 1-based): chr16:88,431,582, A duplicated; the last of 5 consecutive A bases (chr16:88,431,578-88,431,582); duplicating any one gives the same sequence. VCF-style (leftmost placement, unchanged base first): chr16-88431577-C-CA. GRCh37 (hg19) VCF-style: chr16-88497985-C-CA.
Other names: c.4112dupA (NM_001367624.2); short protein forms P1373fs.
Identifiers: ClinVar variation 2429181 (VCV002429181.6), dbSNP rs1368387219, ClinGen allele CA725570881.
Genomic context (GRCh38, chr16:88,431,577, plus strand): 5'-CTCCAGTTTTGGCTGTGACCCTGCTGGTTTTAACAGAGACCCCTTGGGGGTTCCAGTTGC[C>CA]AAAAAGGGGCCTCAGCCCTACAGCAGCCCCCACAGTGAGTTGTTCCTCGGACCCAAAGAC-3'